The following is an entry in ClinVar:

NM_000383.4(AIRE):c.280C>T (p.Gln94Ter)

Gene: AIRE (autoimmune regulator; plus strand). Cytogenetic location: 21q22.3.
Variant type: single nucleotide variant.
Coding change: c.280C>T on transcript NM_000383.4 (MANE Select); coding-DNA position 280, C replaced by T.
Protein change: p.Gln94Ter; replaces glutamine 94 with a stop codon.
Molecular consequence: nonsense.
Genome position (GRCh38, 1-based): chr21:44,286,704, C>T. VCF-style: chr21-44286704-C-T. GRCh37 (hg19) VCF-style: chr21-45706587-C-T.
Other names: short protein forms Q94*.
Identifiers: ClinVar variation 2138397 (VCV002138397.4), dbSNP rs754624261, ClinGen allele CA10051509.

ClinVar aggregate classification (germline): Pathogenic (1 of 4 stars; one submission).

Conditions:
Polyglandular autoimmune syndrome, type 1 (APS1). Also called: PGA I; Autoimmune polyendocrinopathy syndrome, type I; HYPOADRENOCORTICISM WITH HYPOPARATHYROIDISM AND SUPERFICIAL MONILIASIS; AUTOIMMUNE POLYENDOCRINE SYNDROME, TYPE I, WITH OR WITHOUT REVERSIBLE METAPHYSEAL DYSPLASIA; APS I; Whitaker syndrome. Identifiers: Orphanet 3453, MedGen C0085859, MONDO:0009411, OMIM 240300.

Allele frequency attached by ClinVar (database versions not stated): TOPMed below 0.00001; ExAC 0.00001; gnomAD 0.00001.
gnomAD v4.1: 3 of 1,612,896 alleles (0.00019%); highest among the groups gnomAD compares: African/African-American, 0.004%; no homozygotes.

Submission:

Labcorp Genetics (formerly Invitae), Labcorp
Classification: Pathogenic for Polyglandular autoimmune syndrome, type 1. Last evaluated: 2023-04-28. Review status: criteria provided, single submitter. Criteria: Invitae Variant Classification Sherloc (09022015). Collection method: clinical testing. Allele origin: germline.
Comment: This sequence change creates a premature translational stop signal (p.Gln94*) in the AIRE gene. It is expected to result in an absent or disrupted protein product. Loss-of-function variants in AIRE are known to be pathogenic (PMID: 11524731, 26141571). The frequency data for this variant in the population databases is considered unreliable, as metrics indicate poor data quality at this position in the gnomAD database. This premature translational stop signal has been observed in individual(s) with autoimmune polyendocrinopathy syndrome (PMID: 28911151). ClinVar contains an entry for this variant (Variation ID: 2138397). For these reasons, this variant has been classified as Pathogenic.

Literature cited by the submitters: PubMed 11524731; PubMed 26141571; PubMed 28911151.